The following is an entry in ClinVar:

ClinVar aggregate classification (germline): Conflicting classifications of pathogenicity. Review status: criteria provided, conflicting classifications (1 of 4 stars). 7 submissions from 7 submitters: Uncertain significance (4); Likely benign (3). Last evaluated 2025-10-22.

Conditions:
Catecholaminergic polymorphic ventricular tachycardia (CVPT). Also called: Catecholamine-induced polymorphic ventricular tachycardia. Identifiers: Orphanet 3286, MedGen C5574922, MONDO:0017990.
Cardiovascular phenotype. Identifiers: MedGen CN230736.
Cardiomyopathy (CMYO). Also called: Cardiomyopathies. Identifiers: Orphanet 167848, MedGen C0878544, MONDO:0004994, HP:0001638. Inheritance: Various modes of inheritance.
Catecholaminergic polymorphic ventricular tachycardia 1. Also called: VENTRICULAR TACHYCARDIA, CATECHOLAMINERGIC POLYMORPHIC, 1, WITH OR WITHOUT ATRIAL DYSFUNCTION AND/OR DILATED CARDIOMYOPATHY; VENTRICULAR TACHYCARDIA, STRESS-INDUCED POLYMORPHIC 1; RYR2-Related Catecholaminergic Polymorphic Ventricular Tachycardia. Identifiers: Orphanet 3286, MedGen C1631597, MONDO:0011484, OMIM 604772.

Allele frequency attached by ClinVar (database versions not stated): gnomAD exomes 0.00002; ExAC 0.00003; ESP Exome Variant Server 0.00017; gnomAD 0.00019 and 0.00023; TOPMed 0.00022.
gnomAD v4.1: 56 of 1,612,824 alleles (0.0035%); highest among the groups gnomAD compares: African/African-American, 0.059%; no homozygotes.

Submissions (7):

Labcorp Genetics (formerly Invitae), Labcorp
Classification: Likely benign for Catecholaminergic polymorphic ventricular tachycardia 1. Last evaluated: 2025-10-22. Review status: criteria provided, single submitter. Criteria: Invitae Variant Classification Sherloc (09022015). Collection method: clinical testing. Allele origin: germline.

GeneDx
Classification: Uncertain significance. Last evaluated: 2025-08-23. Review status: criteria provided, single submitter. Criteria: GeneDx Variant Classification Process June 2021. Collection method: clinical testing. Allele origin: germline. Affected: yes.
Comment: Has not been previously published as pathogenic or benign to our knowledge; In silico analysis suggests that this missense variant does not alter protein structure/function; Not located in one of the three hot-spot regions of the RYR2 gene, where the majority of pathogenic missense variants occur (PMID: 19926015); This variant is associated with the following publications: (PMID: 19926015)

Women's Health and Genetics/Laboratory Corporation of America, LabCorp
Classification: Likely benign. Last evaluated: 2025-07-18. Review status: criteria provided, single submitter. Criteria: LabCorp Variant Classification Summary - May 2015. Collection method: clinical testing. Allele origin: germline.
Comment: Variant summary: RYR2 c.8060G>A (p.Ser2687Asn) results in a conservative amino acid change in the encoded protein sequence. Algorithms developed to predict the effect of missense changes on protein structure and function are either unavailable or do not agree on the potential impact of this missense change. The variant allele was found at a frequency of 4e-05 in 247168 control chromosomes, predominantly at a frequency of 0.00042 within the African or African-American subpopulation in the gnomAD database. The observed variant frequency within African or African-American control individuals in the gnomAD database is approximately 12.22 fold of the estimated maximal expected allele frequency for a pathogenic variant in RYR2 causing Catecholaminergic Polymorphic Ventricular Tachycardia phenotype (3.4e-05). To our knowledge, no occurrence of c.8060G>A in individuals affected with Catecholaminergic Polymorphic Ventricular Tachycardia and no experimental evidence demonstrating its impact on protein function have been reported. ClinVar contains an entry for this variant (Variation ID: 451818). Based on the evidence outlined above, the variant was classified as likely benign.

Ambry Genetics
Classification: Likely benign for Cardiovascular phenotype. Last evaluated: 2025-06-05. Review status: criteria provided, single submitter. Criteria: Ambry Variant Classification Scheme 2023. Collection method: clinical testing. Allele origin: germline.

All of Us Research Program, National Institutes of Health
Classification: Uncertain significance for Catecholaminergic polymorphic ventricular tachycardia. Last evaluated: 2024-09-23. Review status: criteria provided, single submitter. Criteria: ACMG Guidelines, 2015. Collection method: clinical testing. Allele origin: germline. Inheritance: Autosomal dominant inheritance. Observed: 21 variant alleles, 21 heterozygotes.
Comment: This missense variant replaces serine with asparagine at codon 2687 of the RYR2 protein. Computational prediction tools and conservation analyses are inconclusive regarding the impact of this variant on the protein function. Computational splicing tools suggest that this variant may not impact RNA splicing. To our knowledge, functional assays have not been performed for this variant nor has this variant been reported in individuals affected with cardiovascular disorders in the literature. This variant has been identified in 10/278538 chromosomes in the general population by the Genome Aggregation Database (gnomAD). Available evidence is insufficient to determine the role of this variant in disease conclusively. Therefore, this variant is classified as a Variant of Uncertain Significance.

This study involves interpretation of variants in research participants for the purpose of population health screening. Participant phenotype was not available at the time of variant classification. Additional details can be found in publication PMID: 35346344, PMCID: PMC8962531

Color Diagnostics, LLC DBA Color Health
Classification: Uncertain significance for Cardiomyopathy. Last evaluated: 2024-03-06. Review status: criteria provided, single submitter. Criteria: ACMG Guidelines, 2015. Collection method: clinical testing. Allele origin: germline.
Comment: This missense variant replaces serine with asparagine at codon 2687 of the RYR2 protein. Computational prediction suggests that this variant may not impact protein structure and function (internally defined REVEL score threshold <= 0.5, PMID: 27666373). To our knowledge, functional studies have not been reported for this variant. This variant has not been reported in individuals affected with RYR2-related disorders in the literature. This variant has been identified in 10/278538 chromosomes in the general population by the Genome Aggregation Database (gnomAD). The available evidence is insufficient to determine the role of this variant in disease conclusively. Therefore, this variant is classified as a Variant of Uncertain Significance.

Mayo Clinic Laboratories, Mayo Clinic
Classification: Uncertain significance. Last evaluated: 2020-08-05. Review status: criteria provided, single submitter. Criteria: ACMG Guidelines, 2015. Collection method: clinical testing. Allele origin: germline. Observed: 1 variant allele.

NM_001035.3(RYR2):c.8060G>A (p.Ser2687Asn)

Gene: RYR2 (ryanodine receptor 2; plus strand). Cytogenetic location: 1q43.
Variant type: single nucleotide variant.
Coding change: c.8060G>A on transcript NM_001035.3 (MANE Select); coding-DNA position 8060, G replaced by A.
Protein change: p.Ser2687Asn; replaces serine 2687 with asparagine.
Molecular consequence: missense variant.
Genome position (GRCh38, 1-based): chr1:237,655,915, G>A. VCF-style: chr1-237655915-G-A. GRCh37 (hg19) VCF-style: chr1-237819215-G-A.
Other names: c.8060G>A, p.Ser2687Asn (LRG_402t1); short protein forms S2687N.
Identifiers: ClinVar variation 451818 (VCV000451818.33), dbSNP rs202020477, ClinGen allele CA087562.